The following is an entry in ClinVar:

ClinVar aggregate classification (germline): Likely benign (0 of 4 stars; one submission).

Conditions:
PPARG-related disorder. Also called: PPARG-related disorders; PPARG-related condition.

Allele frequency attached by ClinVar (database versions not stated): gnomAD exomes below 0.00001; TOPMed 0.00001.
gnomAD v4.1: 1 of 1,613,382 alleles (0.000062%); highest among the groups gnomAD compares: Admixed American, 0.0017%; no homozygotes.

Submission:

PreventionGenetics, part of Exact Sciences
Classification: Likely benign for PPARG-related condition. Last evaluated: 2022-03-16. Review status: no assertion criteria provided. Collection method: clinical testing. Allele origin: germline.
Comment: This variant is classified as likely benign based on ACMG/AMP sequence variant interpretation guidelines (Richards et al. 2015 PMID: 25741868, with internal and published modifications).

NM_138711.6(PPARG):c.273G>A (p.Gln91=)

Gene: PPARG (peroxisome proliferator activated receptor gamma; plus strand). Cytogenetic location: 3p25.2.
Variant type: single nucleotide variant.
Coding change: c.273G>A on transcript NM_138711.6 (MANE Select); coding-DNA position 273, G replaced by A.
Protein change: p.Gln91=; no amino-acid change (glutamine 91 retained).
Molecular consequence: synonymous variant. On other transcripts: 5 prime UTR variant (1).
Genome position (GRCh38, 1-based): chr3:12,381,374, G>A. VCF-style: chr3-12381374-G-A. GRCh37 (hg19) VCF-style: chr3-12422873-G-A.
Other names: c.273G>A, p.Gln91= (NM_001330615.4, NM_001354666.3, NM_001354667.3 and 6 more transcripts); c.363G>A, p.Gln121= (NM_001354668.2, NM_001374265.1, NM_015869.5); c.-155G>A (NM_001354669.2); c.279G>A, p.Gln93= (NM_001354670.2, NM_001374266.1).
Identifiers: ClinVar variation 3057367 (VCV003057367.2), dbSNP rs2049650320, ClinGen allele CA432296535.